The following is an entry in ClinVar:

ClinVar aggregate classification (germline): Uncertain significance (1 of 4 stars; one submission).

Conditions:
Epidermodysplasia verruciformis. Identifiers: Orphanet 302, MedGen C0014522, MONDO:0009176.

Allele frequency attached by ClinVar (database versions not stated): ESP Exome Variant Server 0.00008.

Submission:

Labcorp Genetics (formerly Invitae), Labcorp
Classification: Uncertain significance for Epidermodysplasia verruciformis. Last evaluated: 2019-10-19. Review status: criteria provided, single submitter. Criteria: Invitae Variant Classification Sherloc (09022015). Collection method: clinical testing. Allele origin: germline.
Comment: This sequence change replaces leucine with phenylalanine at codon 261 of the TMC6 protein (p.Leu261Phe). The leucine residue is weakly conserved and there is a small physicochemical difference between leucine and phenylalanine. This variant is not present in population databases (ExAC no frequency). This variant has not been reported in the literature in individuals with TMC6-related conditions. Algorithms developed to predict the effect of missense changes on protein structure and function (SIFT, PolyPhen-2, Align-GVGD) all suggest that this variant is likely to be tolerated, but these predictions have not been confirmed by published functional studies and their clinical significance is uncertain. In summary, the available evidence is currently insufficient to determine the role of this variant in disease. Therefore, it has been classified as a Variant of Uncertain Significance.

NM_001127198.5(TMC6):c.781C>T (p.Leu261Phe)

Gene: TMC6 (transmembrane channel like 6; minus strand). Cytogenetic location: 17q25.3.
Variant type: single nucleotide variant.
Coding change: c.781C>T on transcript NM_001127198.5 (MANE Select); coding-DNA position 781, C replaced by T.
Protein change: p.Leu261Phe; replaces leucine 261 with phenylalanine.
Molecular consequence: missense variant.
Genome position (GRCh38, 1-based): chr17:78,124,634, G>A on the plus strand (C>T on the coding strand, the complement: TMC6 is on the minus strand). VCF-style: chr17-78124634-G-A. GRCh37 (hg19) VCF-style: chr17-76120715-G-A.
Other names: c.781C>T, p.Leu261Phe (NM_001321185.1, NM_001374593.1, NM_001374594.1 and 4 more transcripts); short protein forms L261F.
Identifiers: ClinVar variation 957578 (VCV000957578.1), dbSNP rs375602430, ClinGen allele CA294353962.